The following is an entry in ClinVar:

ClinVar aggregate classification (germline): Uncertain significance. Review status: criteria provided, multiple submitters, no conflicts (2 of 4 stars). 2 submissions from 2 submitters: Uncertain significance (2). Last evaluated 2025-08-08.

Conditions:
Hereditary cancer-predisposing syndrome. Also called: Hereditary neoplastic syndrome; Neoplastic Syndromes, Hereditary; Tumor predisposition; Hereditary Cancer Syndrome. Identifiers: Orphanet 140162, MedGen C0027672, MeSH D009386, MONDO:0015356.
Neuroblastoma, susceptibility to, 3. Also called: ALK-Related Neuroblastic Tumor Susceptibility. Identifiers: Orphanet 635, MedGen C2751681, MONDO:0013083, OMIM 613014.

Allele frequency attached by ClinVar (database versions not stated): TOPMed 0.00002.
gnomAD v4.1: 2 of 1,614,036 alleles (0.00012%); highest among the groups gnomAD compares: Non-Finnish European, 0.00017%; no homozygotes.

Submissions (2):

Ambry Genetics
Classification: Uncertain significance for Hereditary cancer-predisposing syndrome. Last evaluated: 2025-08-08. Review status: criteria provided, single submitter. Criteria: Ambry Variant Classification Scheme 2023. Collection method: clinical testing. Allele origin: germline.
Comment: The p.G1263V variant (also known as c.3788G>T), located in coding exon 25 of the ALK gene, results from a G to T substitution at nucleotide position 3788. The glycine at codon 1263 is replaced by valine, an amino acid with dissimilar properties. This amino acid position is conserved. In addition, the in silico prediction for this alteration is inconclusive. Since supporting evidence is limited at this time, the clinical significance of this alteration remains unclear.

Labcorp Genetics (formerly Invitae), Labcorp
Classification: Uncertain significance for Neuroblastoma, susceptibility to, 3. Last evaluated: 2025-02-12. Review status: criteria provided, single submitter. Criteria: Invitae Variant Classification Sherloc (09022015). Collection method: clinical testing. Allele origin: germline.
Comment: This sequence change replaces glycine, which is neutral and non-polar, with valine, which is neutral and non-polar, at codon 1263 of the ALK protein (p.Gly1263Val). This variant is not present in population databases (gnomAD no frequency). This variant has not been reported in the literature in individuals affected with ALK-related conditions. ClinVar contains an entry for this variant (Variation ID: 470845). An algorithm developed to predict the effect of missense changes on protein structure and function (PolyPhen-2) suggests that this variant is likely to be disruptive. In summary, the available evidence is currently insufficient to determine the role of this variant in disease. Therefore, it has been classified as a Variant of Uncertain Significance.

NM_004304.5(ALK):c.3788G>T (p.Gly1263Val)

Gene: ALK (ALK receptor tyrosine kinase; minus strand). Cytogenetic location: 2p23.2.
Variant type: single nucleotide variant.
Coding change: c.3788G>T on transcript NM_004304.5 (MANE Select); coding-DNA position 3788, G replaced by T.
Protein change: p.Gly1263Val; replaces glycine 1263 with valine.
Molecular consequence: missense variant.
Genome position (GRCh38, 1-based): chr2:29,209,834, C>A on the plus strand (G>T on the coding strand, the complement: ALK is on the minus strand). VCF-style: chr2-29209834-C-A. GRCh37 (hg19) VCF-style: chr2-29432700-C-A.
Other names: c.584G>T, p.Gly195Val (NM_001353765.2); short protein forms G1263V, G195V.
Identifiers: ClinVar variation 470845 (VCV000470845.14), dbSNP rs1174034094, ClinGen allele CA346469700.